The following is an entry in ClinVar:

NM_172364.5(CACNA2D4):c.1822A>C (p.Ile608Leu)

Gene: CACNA2D4 (calcium voltage-gated channel auxiliary subunit alpha2delta 4; minus strand). Cytogenetic location: 12p13.33.
Variant type: single nucleotide variant.
Coding change: c.1822A>C on transcript NM_172364.5 (MANE Select); coding-DNA position 1822, A replaced by C.
Protein change: p.Ile608Leu; replaces isoleucine 608 with leucine.
Molecular consequence: missense variant.
Genome position (GRCh38, 1-based): chr12:1,874,660, T>G on the plus strand (A>C on the coding strand, the complement: CACNA2D4 is on the minus strand). VCF-style: chr12-1874660-T-G. GRCh37 (hg19) VCF-style: chr12-1983826-T-G.
Other names: short protein forms I608L.
Identifiers: ClinVar variation 963795 (VCV000963795.9), dbSNP rs1326493528, ClinGen allele CA383350915.
Genomic context (GRCh38, chr12:1,874,660, plus strand): 5'-TTACCCCTTTATCCATCGGAACCTTCACATCCATCGAGAGAGTACCTGTTTCCCTATTGA[T>G]CATGGCTGTTCTCAGCTTCAGGAGGAAAGACAATGGCATTAGTTCCTTGGCTCACAGGGG-3'
Protein context (NP_758952.4, residues 598-618): DQAESLRTAM[Ile608Leu]NRETGTLSMD

ClinVar aggregate classification (germline): Uncertain significance (1 of 4 stars; one submission).

Allele frequency attached by ClinVar (database versions not stated): gnomAD exomes below 0.00001.
gnomAD v4.1: 2 of 1,612,716 alleles (0.00012%); highest among the groups gnomAD compares: East Asian, 0.0045%; no homozygotes.

Submission:

Labcorp Genetics (formerly Invitae), Labcorp
Classification: Uncertain significance. Last evaluated: 2020-02-02. Review status: criteria provided, single submitter. Criteria: Invitae Variant Classification Sherloc (09022015). Collection method: clinical testing. Allele origin: germline.
Comment: This sequence change replaces isoleucine with leucine at codon 608 of the CACNA2D4 protein (p.Ile608Leu). The isoleucine residue is moderately conserved and there is a small physicochemical difference between isoleucine and leucine. This variant is not present in population databases (ExAC no frequency). This variant has not been reported in the literature in individuals with CACNA2D4-related conditions. Algorithms developed to predict the effect of missense changes on protein structure and function are either unavailable or do not agree on the potential impact of this missense change (SIFT: "Deleterious"; PolyPhen-2: "Benign"; Align-GVGD: "Class C0"). In summary, the available evidence is currently insufficient to determine the role of this variant in disease. Therefore, it has been classified as a Variant of Uncertain Significance.